The following is an entry in ClinVar:

NM_015375.3(DSTYK):c.2069A>G (p.His690Arg)

Gene: DSTYK (dual serine/threonine and tyrosine protein kinase; minus strand). Cytogenetic location: 1q32.1.
Variant type: single nucleotide variant.
Coding change: c.2069A>G on transcript NM_015375.3 (MANE Select); coding-DNA position 2069, A replaced by G.
Protein change: p.His690Arg; replaces histidine 690 with arginine.
Molecular consequence: missense variant.
Genome position (GRCh38, 1-based): chr1:205,160,150, T>C on the plus strand (A>G on the coding strand, the complement: DSTYK is on the minus strand). VCF-style: chr1-205160150-T-C. GRCh37 (hg19) VCF-style: chr1-205129278-T-C.
Other names: c.2069A>G, p.His690Arg (NM_199462.3); short protein forms H690R.
Identifiers: ClinVar variation 2599727 (VCV002599727.3), dbSNP rs776078988, ClinGen allele CA1352678.

ClinVar aggregate classification (germline): Uncertain significance. Review status: criteria provided, multiple submitters, no conflicts (2 of 4 stars). 2 submissions from 2 submitters: Uncertain significance (2). Last evaluated 2025-12-30.

Allele frequency attached by ClinVar (database versions not stated): gnomAD exomes below 0.00001; ExAC 0.00001; gnomAD 0.00002; TOPMed 0.00002.
gnomAD v4.1: 7 of 1,614,018 alleles (0.00043%); highest among the groups gnomAD compares: African/African-American, 0.0093%; no homozygotes.

Submissions (2):

Labcorp Genetics (formerly Invitae), Labcorp
Classification: Uncertain significance. Last evaluated: 2025-12-30. Review status: criteria provided, single submitter. Criteria: Invitae Variant Classification Sherloc (09022015). Collection method: clinical testing. Allele origin: germline.
Comment: This sequence change replaces histidine, which is basic and polar, with arginine, which is basic and polar, at codon 690 of the DSTYK protein (p.His690Arg). This variant is present in population databases (rs776078988, gnomAD 0.008%). This variant has not been reported in the literature in individuals affected with DSTYK-related conditions. ClinVar contains an entry for this variant (Variation ID: 2599727). An algorithm developed to predict the effect of missense changes on protein structure and function (PolyPhen-2) suggests that this variant is likely to be disruptive. In summary, the available evidence is currently insufficient to determine the role of this variant in disease. Therefore, it has been classified as a Variant of Uncertain Significance.

Ambry Genetics
Classification: Uncertain significance. Last evaluated: 2023-07-25. Review status: criteria provided, single submitter. Criteria: Ambry Variant Classification Scheme 2023. Collection method: clinical testing. Allele origin: germline.